The following is an entry in ClinVar:

NM_025114.4(CEP290):c.3488_3494dup (p.Val1166fs)

Gene: CEP290 (centrosomal protein 290; minus strand). Cytogenetic location: 12q21.32.
Variant type: Duplication.
Coding change: c.3488_3494dup on transcript NM_025114.4 (MANE Select); coding-DNA positions 3488 to 3494, 7 bases duplicated (GAAGACA; older notation c.3488_3494dupGAAGACA).
Protein change: p.Val1166fs; shifts the reading frame from valine 1166.
Molecular consequence: frameshift variant.
Genome position (GRCh38, 1-based): chr12:88,090,807-88,090,813, TGTCTTC duplicated on the plus strand (GAAGACA on the coding strand, the reverse complement: CEP290 is on the minus strand); duplicating any 7 consecutive bases within chr12:88,090,807-88,090,815 gives the same sequence; the c. name uses the placement nearest the transcript's 3' end. VCF-style (leftmost placement, unchanged base first): chr12-88090806-T-TTGTCTTC. GRCh37 (hg19) VCF-style: chr12-88484583-T-TTGTCTTC.
Other names: short protein forms V1166fs.
Identifiers: ClinVar variation 1069520 (VCV001069520.10), dbSNP rs2036977719, ClinGen allele CA2052920389.

ClinVar aggregate classification (germline): Pathogenic/Likely pathogenic. Review status: criteria provided, multiple submitters, no conflicts (2 of 4 stars). 2 submissions from 2 submitters: Pathogenic (1); Likely pathogenic (1). Last evaluated 2025-03-16.

Conditions:
Joubert syndrome. Also called: Familial aplasia of the vermis; CEREBELLOPARENCHYMAL DISORDER IV; JOUBERT-BOLTSHAUSER SYNDROME. Identifiers: Orphanet 475, MedGen C5979921, MONDO:0018772.
Meckel-Gruber syndrome. Also called: Dysencephalia splachnocystica; DYSENCEPHALIA SPLANCHNOCYSTICA; GRUBER SYNDROME. Identifiers: Orphanet 564, MedGen C0265215, MONDO:0018921.
Nephronophthisis. Also called: Juvenile Nephronophthisis. Identifiers: Orphanet 655, MedGen C0687120, MONDO:0019005, HP:0000090.
Leber congenital amaurosis 10 (LCA10). Identifiers: Orphanet 65, MedGen C1857821, MONDO:0012723, OMIM 611755.
Meckel syndrome, type 4 (MKS4). Also called: MECKEL-GRUBER SYNDROME, TYPE 4. Identifiers: Orphanet 564, MedGen C1970161, MONDO:0012626, OMIM 611134.
Joubert syndrome 5 (JBTS5). Identifiers: Orphanet 2318, MedGen C1857780, MONDO:0012432, OMIM 610188.
Bardet-Biedl syndrome 14 (BBS14). Identifiers: Orphanet 110, MedGen C2673874, MONDO:0014442, OMIM 615991.
Senior-Loken syndrome 6 (SLSN6). Identifiers: Orphanet 3156, MedGen C1857779, MONDO:0012433, OMIM 610189.

Submissions (2):

Labcorp Genetics (formerly Invitae), Labcorp
Classification: Pathogenic for Joubert syndrome; Meckel-Gruber syndrome; Nephronophthisis. Last evaluated: 2025-03-16. Review status: criteria provided, single submitter. Criteria: Invitae Variant Classification Sherloc (09022015). Collection method: clinical testing. Allele origin: germline.
Comment: This sequence change creates a premature translational stop signal (p.Val1166Lysfs*4) in the CEP290 gene. It is expected to result in an absent or disrupted protein product. Loss-of-function variants in CEP290 are known to be pathogenic (PMID: 16909394, 17345604, 20690115). This variant is not present in population databases (gnomAD no frequency). This variant has not been reported in the literature in individuals affected with CEP290-related conditions. ClinVar contains an entry for this variant (Variation ID: 1069520). For these reasons, this variant has been classified as Pathogenic.

Fulgent Genetics
Classification: Likely pathogenic for Joubert syndrome 5; Senior-Loken syndrome 6; Meckel syndrome, type 4; Leber congenital amaurosis 10; Bardet-Biedl syndrome 14. Last evaluated: 2021-10-20. Review status: criteria provided, single submitter. Criteria: ACMG Guidelines, 2015. Collection method: clinical testing. Allele origin: unknown.

Literature cited by the submitters: PubMed 16909394 (cited by Labcorp Genetics (formerly Invitae), Labcorp); PubMed 17345604 (cited by Labcorp Genetics (formerly Invitae), Labcorp); PubMed 20690115 (cited by Labcorp Genetics (formerly Invitae), Labcorp).